The following is an entry in ClinVar:

NM_018723.4(RBFOX1):c.28-185054T>C

Gene: RBFOX1 (RNA binding fox-1 homolog 1; plus strand). Cytogenetic location: 16p13.3.
Variant type: single nucleotide variant.
Coding change: c.28-185054T>C on transcript NM_018723.4 (MANE Select); 185054 bases into the intron before coding-DNA position 28, T replaced by C.
Molecular consequence: intron variant.
Genome position (GRCh38, 1-based): chr16:7,333,093, T>C. VCF-style: chr16-7333093-T-C. GRCh37 (hg19) VCF-style: chr16-7383094-T-C.
Other names: c.625-185054T>C (NM_001415887.1, NM_001415888.1); c.28-185054T>C (NM_001364800.2, NM_001142333.2, NM_001415916.1 and 1 more transcripts); c.157-185054T>C (NM_001415895.1, NM_001415891.1, NM_001415907.1 and 5 more transcripts); c.136-185054T>C (NM_001415889.1, NM_001415898.1, NM_001415894.1 and 5 more transcripts); c.102+28608T>C (NM_001415890.1, NM_001415901.1, NM_001415899.1 and 4 more transcripts); c.87+5T>C (NM_001415904.1, NM_001415896.1, NM_145893.3 and 4 more transcripts).
Identifiers: ClinVar variation 3706095 (VCV003706095.2).

ClinVar aggregate classification (germline): Uncertain significance (1 of 4 stars; one submission).

Conditions:
Idiopathic generalized epilepsy. Also called: Generalised epilepsy; EIG. Identifiers: MedGen C0270850, MONDO:0005579, OMIM 600669.

gnomAD v4.1: 3 of 1,612,884 alleles (0.00019%); no homozygotes.

Submission:

Labcorp Genetics (formerly Invitae), Labcorp
Classification: Uncertain significance for Idiopathic generalized epilepsy. Last evaluated: 2024-11-15. Review status: criteria provided, single submitter. Criteria: Invitae Variant Classification Sherloc (09022015). Collection method: clinical testing. Allele origin: germline.
Comment: This sequence change falls in intron 1 of the RBFOX1 gene. It does not directly change the encoded amino acid sequence of the RBFOX1 protein. It affects a nucleotide within the consensus splice site. This variant is present in population databases (no rsID available, gnomAD 0.006%). This variant has not been reported in the literature in individuals affected with RBFOX1-related conditions. Variants that disrupt the consensus splice site are a relatively common cause of aberrant splicing (PMID: 17576681, 9536098). Algorithms developed to predict the effect of sequence changes on RNA splicing suggest that this variant is not likely to affect RNA splicing. In summary, the available evidence is currently insufficient to determine the role of this variant in disease. Therefore, it has been classified as a Variant of Uncertain Significance.

Literature cited by the submitters: PubMed 17576681; PubMed 9536098.